The following is an entry in ClinVar:

ClinVar aggregate classification (germline): Uncertain significance. Review status: criteria provided, multiple submitters, no conflicts (2 of 4 stars). 2 submissions from 2 submitters: Uncertain significance (2). Last evaluated 2025-04-22.

Conditions:
Nephronophthisis. Also called: Juvenile Nephronophthisis. Identifiers: Orphanet 655, MedGen C0687120, MONDO:0019005, HP:0000090.

Allele frequency attached by ClinVar (database versions not stated): gnomAD 0.00001.
gnomAD v4.1: 1 of 1,611,292 alleles (0.000062%); highest among the groups gnomAD compares: Admixed American, 0.0017%; no homozygotes.

Submissions (2):

GeneDx
Classification: Uncertain significance. Last evaluated: 2025-04-22. Review status: criteria provided, single submitter. Criteria: GeneDx Variant Classification Process June 2021. Collection method: clinical testing. Allele origin: germline. Affected: yes.
Comment: Not observed at significant frequency in large population cohorts (gnomAD); In silico analysis supports that this missense variant has a deleterious effect on protein structure/function; Has not been previously published as pathogenic or benign to our knowledge

Labcorp Genetics (formerly Invitae), Labcorp
Classification: Uncertain significance for Nephronophthisis. Last evaluated: 2019-12-06. Review status: criteria provided, single submitter. Criteria: Invitae Variant Classification Sherloc (09022015). Collection method: clinical testing. Allele origin: germline.
Comment: In summary, the available evidence is currently insufficient to determine the role of this variant in disease. Therefore, it has been classified as a Variant of Uncertain Significance. Algorithms developed to predict the effect of missense changes on protein structure and function (SIFT, PolyPhen-2, Align-GVGD) all suggest that this variant is likely to be disruptive, but these predictions have not been confirmed by published functional studies and their clinical significance is uncertain. This variant has not been reported in the literature in individuals with IQCB1-related conditions. This variant is not present in population databases (ExAC no frequency). This sequence change replaces leucine with proline at codon 149 of the IQCB1 protein (p.Leu149Pro). The leucine residue is moderately conserved and there is a moderate physicochemical difference between leucine and proline.

NM_001023570.4(IQCB1):c.446T>C (p.Leu149Pro)

Gene: IQCB1 (IQ motif containing B1; minus strand). Cytogenetic location: 3q13.33.
Variant type: single nucleotide variant.
Coding change: c.446T>C on transcript NM_001023570.4 (MANE Select); coding-DNA position 446, T replaced by C.
Protein change: p.Leu149Pro; replaces leucine 149 with proline.
Molecular consequence: missense variant. On other transcripts: non-coding transcript variant (1).
Genome position (GRCh38, 1-based): chr3:121,808,957, A>G on the plus strand (T>C on the coding strand, the complement: IQCB1 is on the minus strand). VCF-style: chr3-121808957-A-G. GRCh37 (hg19) VCF-style: chr3-121527804-A-G.
Other names: c.446T>C, p.Leu149Pro (NM_001023571.4, NM_001319107.2); short protein forms L149P.
Identifiers: ClinVar variation 841684 (VCV000841684.10), dbSNP rs1949717977, ClinGen allele CA354106251.
Genomic context (GRCh38, chr3:121,808,957, plus strand): 5'-TTAAAATCTTTTCTCTTACCATTCTGAATAAGTTCAACATGGCCTCCCAAAAGCCAGAAG[A>G]GAGAATCAGTCACAATTTGGAAAAAGTGTAGTAATTCATCTTTTTCTTCAGCCTTAACAT-3'
Protein context (NP_001018864.2, residues 139-159): LHFFQIVTDS[Leu149Pro]FWLLGGHVEL